The following is an entry in ClinVar:

NM_000687.4(AHCY):c.471C>T (p.Thr157=)

Gene: AHCY (adenosylhomocysteinase; minus strand). Cytogenetic location: 20q11.22.
Variant type: single nucleotide variant.
Coding change: c.471C>T on transcript NM_000687.4 (MANE Select); coding-DNA position 471, C replaced by T.
Protein change: p.Thr157=; no amino-acid change (threonine 157 retained).
Molecular consequence: synonymous variant.
Genome position (GRCh38, 1-based): chr20:34,291,506, G>A on the plus strand (C>T on the coding strand, the complement: AHCY is on the minus strand). VCF-style: chr20-34291506-G-A. GRCh37 (hg19) VCF-style: chr20-32879312-G-A.
Other names: c.471C>T (NM_000687.3); c.387C>T, p.Thr129= (NM_001161766.2, NM_001322084.2, NM_001322085.2); c.477C>T, p.Thr159= (NM_001322086.2); c.471C>T, p.Thr157= (NM_001362750.2).
Identifiers: ClinVar variation 1143241 (VCV001143241.10), dbSNP rs192590509, ClinGen allele CA9820985.
Genomic context (GRCh38, chr20:34,291,506, plus strand): 5'-GGCAGGCACCTTGAGGATCCCATTGGCCATCATCTTGTAGAGGTTGTGGACCCCAGTCGT[G>A]GTCTCCTCAGAGATGCCTCGGATGCCTAAACAAGAGGGGACAGGACAAGCCTCAGAGATG-3'
Protein context (NP_000678.1, residues 147-167): LPGIRGISEE[Thr157=]TTGVHNLYKM

ClinVar aggregate classification (germline): Likely benign. Review status: criteria provided, multiple submitters, no conflicts (2 of 4 stars). 2 submissions from 2 submitters: Likely benign (2). Last evaluated 2026-02-01.

Conditions:
AHCY-related disorder. Also called: AHCY-related condition.
Hypermethioninemia with deficiency of S-adenosylhomocysteine hydrolase. Identifiers: Orphanet 88618, MedGen C3151058, MONDO:0013404, OMIM 613752.

Allele frequency attached by ClinVar (database versions not stated): gnomAD 0.00019 and 0.00021; TOPMed 0.00065; 1000 Genomes Project 30x 0.00094; 1000 Genomes Project 0.00120; gnomAD exomes 0.00002; ExAC 0.00006.
gnomAD v4.1: 70 of 1,614,122 alleles (0.0043%); highest among the groups gnomAD compares: Admixed American, 0.077%; 1 homozygote.

Submissions (2):

Labcorp Genetics (formerly Invitae), Labcorp
Classification: Likely benign for Hypermethioninemia with deficiency of S-adenosylhomocysteine hydrolase. Last evaluated: 2026-02-01. Review status: criteria provided, single submitter. Criteria: Invitae Variant Classification Sherloc (09022015). Collection method: clinical testing. Allele origin: germline.

PreventionGenetics, part of Exact Sciences
Classification: Likely benign for AHCY-related condition. Last evaluated: 2025-05-08. Review status: criteria provided, single submitter. Criteria: ACMG Guidelines, 2015. Collection method: clinical testing. Allele origin: germline.
Comment: This variant is classified as likely benign based on ACMG/AMP sequence variant interpretation guidelines (Richards et al. 2015 PMID: 25741868, with internal and published modifications).